The following is an entry in ClinVar:

ClinVar aggregate classification (germline): Likely pathogenic (1 of 4 stars; one submission).

Conditions:
Androgen resistance syndrome (AIS). Also called: Androgen insensitivity syndrome due to coactivator deficiency; Androgen insensitivity; DHTR DEFICIENCY; ANDROGEN RECEPTOR DEFICIENCY; DIHYDROTESTOSTERONE RECEPTOR DEFICIENCY; TESTICULAR FEMINIZATION SYNDROME. Identifiers: Orphanet 754, Orphanet 99429, MedGen C0039585, MONDO:0019154, OMIM 300068. Disease mechanism: loss of function.

Submission:

3billion
Classification: Likely pathogenic for Androgen resistance syndrome. Last evaluated: 2024-11-25. Review status: criteria provided, single submitter. Criteria: ACMG Guidelines, 2015. Collection method: clinical testing. Allele origin: germline. Affected: yes.
Comment: The variant is not observed in the gnomAD v4.1.0 dataset. Predicted Consequence/Location: Stop-gained (nonsense): predicted to result in a loss or disruption of normal protein function through nonsense-mediated decay (NMD) or protein truncation. Multiple pathogenic variants are reported downstream of the variant. Therefore, this variant is classified as Likely pathogenic according to the recommendation of ACMG/AMP guideline.

NM_000044.6(AR):c.235C>T (p.Gln79Ter)

Genes: AR (androgen receptor; plus strand), LOC109504725 (androgen receptor repeat instability region; plus strand). Cytogenetic location: Xq12.
Variant type: single nucleotide variant.
Coding change: c.235C>T on transcript NM_000044.6 (MANE Select); coding-DNA position 235, C replaced by T.
Protein change: p.Gln79Ter; replaces glutamine 79 with a stop codon.
Molecular consequence: nonsense. On other transcripts: 5 prime UTR variant (1).
Genome position (GRCh38, 1-based): chrX:67,545,381, C>T. VCF-style: chrX-67545381-C-T. GRCh37 (hg19) VCF-style: chrX-66765223-C-T.
Other names: c.235C>T, p.Gln79Ter (NM_001348063.1, NM_001348064.1, NM_001348061.1); c.-1549C>T (NM_001011645.3); short protein forms Q79*.
Identifiers: ClinVar variation 4293132 (VCV004293132.1).